The following is an entry in ClinVar:

NM_006059.4(LAMC3):c.2039C>T (p.Thr680Met)

Gene: LAMC3 (laminin subunit gamma 3; plus strand). Cytogenetic location: 9q34.12.
Variant type: single nucleotide variant.
Coding change: c.2039C>T on transcript NM_006059.4 (MANE Select); coding-DNA position 2039, C replaced by T.
Protein change: p.Thr680Met; replaces threonine 680 with methionine.
Molecular consequence: missense variant.
Genome position (GRCh38, 1-based): chr9:131,057,028, C>T. VCF-style: chr9-131057028-C-T. GRCh37 (hg19) VCF-style: chr9-133932415-C-T.
Other names: short protein forms T680M.
Identifiers: ClinVar variation 378068 (VCV000378068.16), dbSNP rs73658916, ClinGen allele CA5287307.

ClinVar aggregate classification (germline): Benign/Likely benign. Review status: criteria provided, multiple submitters, no conflicts (2 of 4 stars). 6 submissions from 6 submitters: Benign (2); Likely benign (2). 2 of the submissions do not count toward it. Last evaluated 2026-02-02.

Allele frequency attached by ClinVar (database versions not stated): gnomAD exomes 0.00146 and 0.00228; ExAC 0.00269; gnomAD 0.00785 and 0.00851; 1000 Genomes Project 0.00859; TOPMed 0.00904; ESP Exome Variant Server 0.00930; 1000 Genomes Project 30x 0.00984.
gnomAD v4.1: 3,399 of 1,614,048 alleles (0.21%); highest among the groups gnomAD compares: African/African-American, 2.6%; 30 homozygotes.

Submissions (6):

Labcorp Genetics (formerly Invitae), Labcorp
Classification: Benign. Last evaluated: 2026-02-02. Review status: criteria provided, single submitter. Criteria: Invitae Variant Classification Sherloc (09022015). Collection method: clinical testing. Allele origin: germline.

Center for Pediatric Genomic Medicine, Children's Mercy Hospital and Clinics
Classification: Likely benign. Last evaluated: 2017-02-22. Review status: criteria provided, single submitter. Criteria: ACMG Guidelines, 2015. Collection method: clinical testing. Allele origin: germline.

GeneDx
Classification: Benign. Last evaluated: 2016-06-16. Review status: criteria provided, single submitter. Criteria: GeneDx Variant Classification (06012015). Collection method: clinical testing. Allele origin: germline. Affected: yes.
Comment: This variant is considered likely benign or benign based on one or more of the following criteria: it is a conservative change, it occurs at a poorly conserved position in the protein, it is predicted to be benign by multiple in silico algorithms, and/or has population frequency not consistent with disease.

Breakthrough Genomics
Classification: Likely benign. Review status: criteria provided, single submitter. Criteria: ACMG Guidelines, 2015. Collection method: not provided. Allele origin: germline. Inheritance: Autosomal recessive inheritance. Affected: yes.

Clinical Genetics DNA and cytogenetics Diagnostics Lab, Erasmus MC, Erasmus Medical Center
Classification: Benign. Review status: no assertion criteria provided. Collection method: clinical testing. Allele origin: germline. Affected: yes. Study: VKGL Data-share Consensus. Not counted in ClinVar's aggregate classification.

Laboratory of Diagnostic Genome Analysis, Leiden University Medical Center (LUMC)
Classification: Likely benign. Review status: no assertion criteria provided. Collection method: clinical testing. Allele origin: germline. Affected: yes. Study: VKGL Data-share Consensus. Not counted in ClinVar's aggregate classification.